The following is an entry in ClinVar:

ClinVar aggregate classification (germline): Likely benign. Review status: criteria provided, multiple submitters, no conflicts (2 of 4 stars). 4 submissions from 4 submitters: Likely benign (3). 1 of the submissions does not count toward it. Last evaluated 2026-01-28.

Conditions:
Neuronal ceroid lipofuscinosis. Also called: Neuronal Ceroid Lipofuscinoses. Identifiers: Orphanet 216, Orphanet 79263, MedGen C0027877, MONDO:0016295. Disease mechanism: loss of function.

Allele frequency attached by ClinVar (database versions not stated): gnomAD exomes 0.00006; ExAC 0.00007; gnomAD 0.00008; TOPMed 0.00008; ESP Exome Variant Server 0.00015; 1000 Genomes Project 30x 0.00016; 1000 Genomes Project 0.00020.

Submissions (4):

Labcorp Genetics (formerly Invitae), Labcorp
Classification: Likely benign for Neuronal ceroid lipofuscinosis. Last evaluated: 2026-01-28. Review status: criteria provided, single submitter. Criteria: Invitae Variant Classification Sherloc (09022015). Collection method: clinical testing. Allele origin: germline.

Blueprint Genetics
Classification: Likely benign. Last evaluated: 2023-02-27. Review status: criteria provided, single submitter. Criteria: ACMG Guidelines, 2015. Collection method: clinical testing. Allele origin: germline.

GeneDx
Classification: Likely benign. Last evaluated: 2021-05-18. Review status: criteria provided, single submitter. Criteria: GeneDx Variant Classification Process June 2021. Collection method: clinical testing. Allele origin: germline. Affected: yes.

Genetic Services Laboratory, University of Chicago
Classification: Likely benign for AllHighlyPenetrant. Review status: no assertion criteria provided. Collection method: clinical testing. Allele origin: germline. Inheritance: Autosomal recessive inheritance. Not counted in ClinVar's aggregate classification.
Comment: Likely benign based on allele frequency in 1000 Genomes Project or ESP global frequency and its presence in a patient with a rare or unrelated disease phenotype. NOT Sanger confirmed.

NM_001909.5(CTSD):c.1137C>T (p.Ser379=)

Gene: CTSD (cathepsin D; minus strand). Cytogenetic location: 11p15.5.
Variant type: single nucleotide variant.
Coding change: c.1137C>T on transcript NM_001909.5 (MANE Select); coding-DNA position 1137, C replaced by T.
Protein change: p.Ser379=; no amino-acid change (serine 379 retained).
Molecular consequence: synonymous variant.
Genome position (GRCh38, 1-based): chr11:1,753,605, G>A on the plus strand (C>T on the coding strand, the complement: CTSD is on the minus strand). VCF-style: chr11-1753605-G-A. GRCh37 (hg19) VCF-style: chr11-1774835-G-A.
Identifiers: ClinVar variation 128871 (VCV000128871.16), dbSNP rs141981301, ClinGen allele CA152533.